The following is an entry in ClinVar:

NM_006231.4(POLE):c.4551+2dup

Gene: POLE (DNA polymerase epsilon, catalytic subunit; minus strand). Cytogenetic location: 12q24.33.
Variant type: Duplication.
Coding change: c.4551+2dup on transcript NM_006231.4 (MANE Select); the canonical splice donor site of the intron after coding-DNA position 4551, one base duplicated (T; older notation c.4551+2dupT).
Molecular consequence: splice donor variant.
Genome position (GRCh38, 1-based): chr12:132,643,222, A duplicated on the plus strand (T on the coding strand, the reverse complement: POLE is on the minus strand). VCF-style (leftmost placement, unchanged base first): chr12-132643221-C-CA. GRCh37 (hg19) VCF-style: chr12-133219807-C-CA.
Identifiers: ClinVar variation 4841504 (VCV004841504.1).

ClinVar aggregate classification (germline): Uncertain significance (1 of 4 stars; one submission).

Conditions:
Hereditary cancer-predisposing syndrome. Also called: Neoplastic Syndromes, Hereditary; Tumor predisposition; Hereditary Cancer Syndrome; Hereditary neoplastic syndrome. Identifiers: Orphanet 140162, MedGen C0027672, MeSH D009386, MONDO:0015356.

Submission:

Ambry Genetics
Classification: Uncertain significance for Hereditary cancer-predisposing syndrome. Last evaluated: 2025-12-29. Review status: criteria provided, single submitter. Criteria: Ambry Variant Classification Scheme 2023. Collection method: clinical testing. Allele origin: germline.
Comment: The c.4551+2dupT intronic variant, results from a duplication of a single nucleotide two nucleotides after intron 35 of the POLE gene. This nucleotide position is highly conserved in available vertebrate species. In silico splice site analysis predicts that this alteration will weaken the native splice donor site. RNA studies have demonstrated that this alteration results in abnormal splicing in the set of samples tested (Ambry internal data). Although biallelic loss of function of POLE has been associated with autosomal recessive POLE deficiency, haploinsufficiency of POLE has not been established as a mechanism of disease for POLE-related polymerase proofreading-associated polyposis (PPAP) and POLE-related CMMRD-like syndrome. Based on the supporting evidence, this variant is expected to be causative of POLE deficiency when present along with a second pathogenic variant on the other allele; however, its clinical significance for PPAP and POLE-related CMMRD-like syndrome is unclear.